The following is an entry in ClinVar:

ClinVar aggregate classification (germline): Uncertain significance (1 of 4 stars; one submission).

Submission:

Labcorp Genetics (formerly Invitae), Labcorp
Classification: Uncertain significance. Last evaluated: 2024-06-16. Review status: criteria provided, single submitter. Criteria: Invitae Variant Classification Sherloc (09022015). Collection method: clinical testing. Allele origin: germline.
Comment: This sequence change replaces serine, which is neutral and polar, with alanine, which is neutral and non-polar, at codon 212 of the IRF2BP2 protein (p.Ser212Ala). This variant is not present in population databases (gnomAD no frequency). This variant has not been reported in the literature in individuals affected with IRF2BP2-related conditions. Algorithms developed to predict the effect of missense changes on protein structure and function output the following: SIFT: "Not Available"; PolyPhen-2: "Benign"; Align-GVGD: "Not Available". The alanine amino acid residue is found in multiple mammalian species, which suggests that this missense change does not adversely affect protein function. In summary, the available evidence is currently insufficient to determine the role of this variant in disease. Therefore, it has been classified as a Variant of Uncertain Significance.

NM_182972.3(IRF2BP2):c.634T>G (p.Ser212Ala)

Genes: IRF2BP2 (interferon regulatory factor 2 binding protein 2; minus strand), LOC129932811 (ATAC-STARR-seq lymphoblastoid silent region 1976; plus strand). Cytogenetic location: 1q42.3.
Variant type: single nucleotide variant.
Coding change: c.634T>G on transcript NM_182972.3 (MANE Select); coding-DNA position 634, T replaced by G.
Protein change: p.Ser212Ala; replaces serine 212 with alanine.
Molecular consequence: missense variant.
Genome position (GRCh38, 1-based): chr1:234,608,861, A>C on the plus strand (T>G on the coding strand, the complement: IRF2BP2 is on the minus strand). VCF-style: chr1-234608861-A-C. GRCh37 (hg19) VCF-style: chr1-234744607-A-C.
Other names: c.634T>G, p.Ser212Ala (NM_001077397.1); short protein forms S212A.
Identifiers: ClinVar variation 3605170 (VCV003605170.2).